The following is an entry in ClinVar:

ClinVar aggregate classification (germline): Uncertain significance (1 of 4 stars; one submission).

Submission:

GeneDx
Classification: Uncertain significance. Last evaluated: 2026-04-08. Review status: criteria provided, single submitter. Criteria: GeneDx Variant Classification Process June 2021. Collection method: clinical testing. Allele origin: germline.
Comment: Not observed at significant frequency in large population cohorts (gnomAD); In silico analysis supports that this missense variant has a deleterious effect on protein structure/function; Has not been previously published as pathogenic or benign to our knowledge

NM_001357.5(DHX9):c.1868G>A (p.Ser623Asn)

Gene: DHX9 (DExH-box helicase 9; plus strand). Cytogenetic location: 1q25.3.
Variant type: single nucleotide variant.
Coding change: c.1868G>A on transcript NM_001357.5 (MANE Select); coding-DNA position 1868, G replaced by A.
Protein change: p.Ser623Asn; replaces serine 623 with asparagine.
Molecular consequence: missense variant. On other transcripts: non-coding transcript variant (1).
Genome position (GRCh38, 1-based): chr1:182,876,102, G>A. VCF-style: chr1-182876102-G-A. GRCh37 (hg19) VCF-style: chr1-182845237-G-A.
Other names: short protein forms S623N.
Identifiers: ClinVar variation 5018368 (VCV005018368.1).
Genomic context (GRCh38, chr1:182,876,102, plus strand): 5'-TTTTACAGGCAAATTGCAACTTGATCTGTGGTGATGAATATGGTCCAGAAACAAGGTTGA[G>A]CATGTCTCAATTGAACGAAAAGGAAACTCCTTTTGAACTCATCGAGGCTCTACTTAAGTA-3'
Protein context (NP_001348.2, residues 613-633): GDEYGPETRL[Ser623Asn]MSQLNEKETP